The following is an entry in ClinVar:

ClinVar aggregate classification (germline): Uncertain significance (1 of 4 stars; one submission).

Allele frequency attached by ClinVar (database versions not stated): gnomAD 0.00001; TOPMed 0.00001.
gnomAD v4.1: 19 of 1,613,494 alleles (0.0012%); highest among the groups gnomAD compares: African/African-American, 0.0013%; no homozygotes.

Submission:

Labcorp Genetics (formerly Invitae), Labcorp
Classification: Uncertain significance. Last evaluated: 2022-08-16. Review status: criteria provided, single submitter. Criteria: Invitae Variant Classification Sherloc (09022015). Collection method: clinical testing. Allele origin: germline.
Comment: In summary, the available evidence is currently insufficient to determine the role of this variant in disease. Therefore, it has been classified as a Variant of Uncertain Significance. Algorithms developed to predict the effect of missense changes on protein structure and function are either unavailable or do not agree on the potential impact of this missense change (SIFT: "Tolerated"; PolyPhen-2: "Probably Damaging"; Align-GVGD: "Class C0"). ClinVar contains an entry for this variant (Variation ID: 1445490). This variant has not been reported in the literature in individuals affected with TUBGCP6-related conditions. This variant is not present in population databases (gnomAD no frequency). This sequence change replaces leucine, which is neutral and non-polar, with valine, which is neutral and non-polar, at codon 45 of the TUBGCP6 protein (p.Leu45Val).

NM_020461.4(TUBGCP6):c.133C>G (p.Leu45Val)

Gene: TUBGCP6 (tubulin gamma complex component 6; minus strand). Cytogenetic location: 22q13.33.
Variant type: single nucleotide variant.
Coding change: c.133C>G on transcript NM_020461.4 (MANE Select); coding-DNA position 133, C replaced by G.
Protein change: p.Leu45Val; replaces leucine 45 with valine.
Molecular consequence: missense variant.
Genome position (GRCh38, 1-based): chr22:50,244,327, G>C on the plus strand (C>G on the coding strand, the complement: TUBGCP6 is on the minus strand). VCF-style: chr22-50244327-G-C. GRCh37 (hg19) VCF-style: chr22-50682756-G-C.
Other names: short protein forms L45V.
Identifiers: ClinVar variation 1445490 (VCV001445490.8), dbSNP rs949733579, ClinGen allele CA325485835.